The following is an entry in ClinVar:

NM_001005361.3(DNM2):c.2072T>G (p.Ile691Ser)

Gene: DNM2 (dynamin 2; plus strand). Cytogenetic location: 19p13.2.
Variant type: single nucleotide variant.
Coding change: c.2072T>G on transcript NM_001005361.3 (MANE Select); coding-DNA position 2072, T replaced by G.
Protein change: p.Ile691Ser; replaces isoleucine 691 with serine.
Molecular consequence: missense variant.
Genome position (GRCh38, 1-based): chr19:10,829,049, T>G. VCF-style: chr19-10829049-T-G. GRCh37 (hg19) VCF-style: chr19-10939725-T-G.
Other names: c.2060T>G, p.Ile687Ser (NM_001005362.3, NM_004945.4); c.2072T>G, p.Ile691Ser (NM_001190716.2, NM_001005360.3); short protein forms I687S, I691S.
Identifiers: ClinVar variation 4281870 (VCV004281870.1).

ClinVar aggregate classification (germline): Uncertain significance (1 of 4 stars; one submission).

Submission:

GeneDx
Classification: Uncertain significance. Last evaluated: 2025-04-09. Review status: criteria provided, single submitter. Criteria: GeneDx Variant Classification Process June 2021. Collection method: clinical testing. Allele origin: germline. Affected: yes.
Comment: Not observed at significant frequency in large population cohorts (gnomAD); In silico analysis supports that this missense variant has a deleterious effect on protein structure/function; Has not been previously published as pathogenic or benign to our knowledge; This variant is associated with the following publications: (PMID: 16227997)